The following is an entry in ClinVar:

NM_022042.4(SLC26A1):c.389G>T (p.Cys130Phe)

Genes: IDUA (alpha-L-iduronidase; plus strand), SLC26A1 (solute carrier family 26 member 1; minus strand). Cytogenetic location: 4p16.3.
Variant type: single nucleotide variant.
Coding change: c.389G>T on transcript NM_022042.4 (MANE Select); coding-DNA position 389, G replaced by T.
Protein change: p.Cys130Phe; replaces cysteine 130 with phenylalanine.
Molecular consequence: missense variant. On other transcripts: intron variant (1).
Genome position (GRCh38, 1-based): chr4:991,315, C>A on the plus strand (G>T on the coding strand, the complement: SLC26A1 is on the minus strand). VCF-style: chr4-991315-C-A. GRCh37 (hg19) VCF-style: chr4-985103-C-A.
Other names: c.389G>T, p.Cys130Phe (NM_134425.4, NM_213613.4); c.299+3366C>A (NM_000203.5); short protein forms C130F.
Identifiers: ClinVar variation 1964394 (VCV001964394.5), dbSNP rs1280992893, ClinGen allele CA355957976.

ClinVar aggregate classification (germline): Uncertain significance (1 of 4 stars; one submission).

gnomAD v4.1: 1 of 1,612,848 alleles (0.000062%); highest among the groups gnomAD compares: Admixed American, 0.0017%; no homozygotes.

Submission:

Labcorp Genetics (formerly Invitae), Labcorp
Classification: Uncertain significance. Last evaluated: 2023-05-22. Review status: criteria provided, single submitter. Criteria: Invitae Variant Classification Sherloc (09022015). Collection method: clinical testing. Allele origin: germline.
Comment: In summary, the available evidence is currently insufficient to determine the role of this variant in disease. Therefore, it has been classified as a Variant of Uncertain Significance. Advanced modeling of protein sequence and biophysical properties (such as structural, functional, and spatial information, amino acid conservation, physicochemical variation, residue mobility, and thermodynamic stability) performed at Invitae indicates that this missense variant is expected to disrupt SLC26A1 protein function. ClinVar contains an entry for this variant (Variation ID: 1964394). This variant has not been reported in the literature in individuals affected with SLC26A1-related conditions. This variant is present in population databases (no rsID available, gnomAD 0.003%). This sequence change replaces cysteine, which is neutral and slightly polar, with phenylalanine, which is neutral and non-polar, at codon 130 of the SLC26A1 protein (p.Cys130Phe).